The following is an entry in ClinVar:

ClinVar aggregate classification (germline): Likely benign (0 of 4 stars; one submission).

Conditions:
RAI1-related disorder. Also called: RAI1-related condition.

Submission:

PreventionGenetics, part of Exact Sciences
Classification: Likely benign for RAI1-related condition. Last evaluated: 2020-12-04. Review status: no assertion criteria provided. Collection method: clinical testing. Allele origin: germline.
Comment: This variant is classified as likely benign based on ACMG/AMP sequence variant interpretation guidelines (Richards et al. 2015 PMID: 25741868, with internal and published modifications).

NM_030665.4(RAI1):c.5124T>C (p.Pro1708=)

Gene: RAI1 (retinoic acid induced 1; plus strand). Cytogenetic location: 17p11.2.
Variant type: single nucleotide variant.
Coding change: c.5124T>C on transcript NM_030665.4 (MANE Select); coding-DNA position 5124, T replaced by C.
Protein change: p.Pro1708=; no amino-acid change (proline 1708 retained).
Molecular consequence: synonymous variant.
Genome position (GRCh38, 1-based): chr17:17,798,072, T>C. VCF-style: chr17-17798072-T-C. GRCh37 (hg19) VCF-style: chr17-17701386-T-C.
Identifiers: ClinVar variation 3351637 (VCV003351637.1).